The following is an entry in ClinVar:

NM_024685.4(BBS10):c.805dup (p.Ser269fs)

Gene: BBS10 (Bardet-Biedl syndrome 10; minus strand). Cytogenetic location: 12q21.2.
Variant type: Duplication.
Coding change: c.805dup on transcript NM_024685.4 (MANE Select); coding-DNA position 805, one base duplicated (T; older notation c.805dupT).
Protein change: p.Ser269fs; shifts the reading frame from serine 269.
Molecular consequence: frameshift variant.
Genome position (GRCh38, 1-based): chr12:76,347,180, A duplicated on the plus strand (T on the coding strand, the reverse complement: BBS10 is on the minus strand); the first of 6 consecutive A bases (chr12:76,347,180-76,347,185); duplicating any one gives the same sequence. VCF-style (leftmost placement, unchanged base first): chr12-76347179-G-GA. GRCh37 (hg19) VCF-style: chr12-76740959-G-GA.
Other names: c.805dup (NM_024685.3); short protein forms S269fs.
Identifiers: ClinVar variation 1801520 (VCV001801520.7), dbSNP rs1472533012, ClinGen allele CA606185945.

ClinVar aggregate classification (germline): Pathogenic/Likely pathogenic. Review status: criteria provided, multiple submitters, no conflicts (2 of 4 stars). 3 submissions from 3 submitters: Pathogenic (2); Likely pathogenic (1). Last evaluated 2025-06-23.

Conditions:
Bardet-Biedl syndrome 10 (BBS10). Identifiers: Orphanet 110, MedGen C1859568, MONDO:0014438, OMIM 615987.
Bardet-Biedl syndrome (BBS). Identifiers: Orphanet 110, MedGen C0752166, MONDO:0015229.

Submissions (3):

Natera, Inc.
Classification: Likely pathogenic for Bardet-Biedl syndrome type 10. Last evaluated: 2025-06-23. Review status: criteria provided, single submitter. Criteria: Natera Variant Classification Schema (03/2026). Collection method: clinical testing. Allele origin: germline.
Comment: The c.805dup variant in BBS10 is a frameshift variant predicted to shift the reading frame beginning at codon 269 and leads to a stop codon 35 codons downstream. This variant is expected to result in nonsense mediated decay, truncation, or a dysfunctional protein product. This variant is rare in the general population with a frequency below the threshold expected for the associated phenotype(s). Given the available evidence, this variant is classified as Likely Pathogenic.

Institute of Medical Genetics and Applied Genomics, University Hospital Tübingen
Classification: Pathogenic for Bardet-Biedl syndrome 10. Last evaluated: 2022-12-05. Review status: criteria provided, single submitter. Criteria: ACMG Guidelines, 2015. Collection method: clinical testing. Allele origin: germline. Inheritance: Autosomal recessive inheritance. Affected: yes.

Labcorp Genetics (formerly Invitae), Labcorp
Classification: Pathogenic for Bardet-Biedl syndrome. Last evaluated: 2022-09-24. Review status: criteria provided, single submitter. Criteria: Invitae Variant Classification Sherloc (09022015). Collection method: clinical testing. Allele origin: germline.
Comment: This sequence change creates a premature translational stop signal (p.Ser269Phefs*35) in the BBS10 gene. While this is not anticipated to result in nonsense mediated decay, it is expected to disrupt the last 455 amino acid(s) of the BBS10 protein. This variant is not present in population databases (gnomAD no frequency). This variant has not been reported in the literature in individuals affected with BBS10-related conditions. This variant disrupts a region of the BBS10 protein in which other variant(s) (p.Val707*) have been determined to be pathogenic (PMID: 20472660, 22773737, 25982971, 27486776). This suggests that this is a clinically significant region of the protein, and that variants that disrupt it are likely to be disease-causing. For these reasons, this variant has been classified as Pathogenic.

Literature cited by the submitters: PubMed 20472660 (cited by Labcorp Genetics (formerly Invitae), Labcorp); PubMed 22773737 (cited by Labcorp Genetics (formerly Invitae), Labcorp); PubMed 25982971 (cited by Labcorp Genetics (formerly Invitae), Labcorp); PubMed 27486776 (cited by Labcorp Genetics (formerly Invitae), Labcorp).